The following is an entry in ClinVar:

ClinVar aggregate classification (germline): Likely benign. Review status: criteria provided, multiple submitters, no conflicts (2 of 4 stars). 2 submissions from 2 submitters: Likely benign (2). Last evaluated 2024-11-11.

Conditions:
Dilated cardiomyopathy 1G (CMD1G). Identifiers: Orphanet 154, MedGen C1858763, MONDO:0011400, OMIM 604145.
Autosomal recessive limb-girdle muscular dystrophy type 2J (LGMDR10). Also called: Limb-girdle muscular dystrophy, type 2J; MUSCULAR DYSTROPHY, LIMB-GIRDLE, AUTOSOMAL RECESSIVE 10. Identifiers: Orphanet 140922, MedGen C1837342, MONDO:0012127, OMIM 608807.

Allele frequency attached by ClinVar (database versions not stated): gnomAD exomes below 0.00001; gnomAD 0.00001; TOPMed 0.00001.
gnomAD v4.1: 5 of 1,613,318 alleles (0.00031%); highest among the groups gnomAD compares: African/African-American, 0.0027%; no homozygotes.

Submissions (2):

Labcorp Genetics (formerly Invitae), Labcorp
Classification: Likely benign for Dilated cardiomyopathy 1G; Autosomal recessive limb-girdle muscular dystrophy type 2J. Last evaluated: 2024-11-11. Review status: criteria provided, single submitter. Criteria: Invitae Variant Classification Sherloc (09022015). Collection method: clinical testing. Allele origin: germline.

GeneDx
Classification: Likely benign. Last evaluated: 2017-02-16. Review status: criteria provided, single submitter. Criteria: GeneDx Variant Classification (06012015). Collection method: clinical testing. Allele origin: germline. Affected: yes.
Comment: This variant is considered likely benign or benign based on one or more of the following criteria: it is a conservative change, it occurs at a poorly conserved position in the protein, it is predicted to be benign by multiple in silico algorithms, and/or has population frequency not consistent with disease.

NM_001267550.2(TTN):c.80967T>C (p.Phe26989=)

Genes: TTN (titin; minus strand), TTN-AS1 (TTN antisense RNA 1; plus strand). Cytogenetic location: 2q31.2.
Variant type: single nucleotide variant.
Coding change: c.80967T>C on transcript NM_001267550.2 (MANE Select); coding-DNA position 80967, T replaced by C.
Protein change: p.Phe26989=; no amino-acid change (phenylalanine 26989 retained).
Molecular consequence: synonymous variant.
Genome position (GRCh38, 1-based): chr2:178,565,165, A>G on the plus strand (T>C on the coding strand, the complement: TTN is on the minus strand). VCF-style: chr2-178565165-A-G. GRCh37 (hg19) VCF-style: chr2-179429892-A-G.
Other names: c.76044T>C, p.Phe25348= (NM_001256850.1); c.53772T>C, p.Phe17924= (NM_003319.4); c.73263T>C, p.Phe24421= (NM_133378.4); c.54147T>C, p.Phe18049= (NM_133432.3); c.54348T>C, p.Phe18116= (NM_133437.4).
Identifiers: ClinVar variation 507569 (VCV000507569.3), dbSNP rs1227731674, ClinGen allele CA430251569.